The following is an entry in ClinVar:

ClinVar aggregate classification (germline): Uncertain significance (1 of 4 stars; one submission).

Conditions:
TH-deficient dopa-responsive dystonia. Also called: Tyrosine Hydroxylase-Deficient Dopa-Responsive Dystonia; Segawa syndrome, autosomal recessive; DYT-TH. Identifiers: Orphanet 101150, MedGen C2673535, MONDO:0011551, OMIM 605407.

Allele frequency attached by ClinVar (database versions not stated): ExAC 0.00004; gnomAD exomes 0.00004; gnomAD 0.00007; TOPMed 0.00007.
gnomAD v4.1: 68 of 1,549,966 alleles (0.0044%); highest among the groups gnomAD compares: African/African-American, 0.014%; no homozygotes.

Submission:

Labcorp Genetics (formerly Invitae), Labcorp
Classification: Uncertain significance for TH-deficient dopa-responsive dystonia. Last evaluated: 2022-03-24. Review status: criteria provided, single submitter. Criteria: Invitae Variant Classification Sherloc (09022015). Collection method: clinical testing. Allele origin: germline.
Comment: This sequence change replaces valine, which is neutral and non-polar, with methionine, which is neutral and non-polar, at codon 488 of the TH protein (p.Val488Met). The frequency data for this variant in the population databases is considered unreliable, as metrics indicate poor data quality at this position in the gnomAD database. This variant has not been reported in the literature in individuals affected with TH-related conditions. Advanced modeling of protein sequence and biophysical properties (such as structural, functional, and spatial information, amino acid conservation, physicochemical variation, residue mobility, and thermodynamic stability) performed at Invitae indicates that this missense variant is expected to disrupt TH protein function. In summary, the available evidence is currently insufficient to determine the role of this variant in disease. Therefore, it has been classified as a Variant of Uncertain Significance.

NM_000360.4(TH):c.1369G>A (p.Val457Met)

Gene: TH (tyrosine hydroxylase; minus strand). Cytogenetic location: 11p15.5.
Variant type: single nucleotide variant.
Coding change: c.1369G>A on transcript NM_000360.4 (MANE Select); coding-DNA position 1369, G replaced by A.
Protein change: p.Val457Met; replaces valine 457 with methionine.
Molecular consequence: missense variant.
Genome position (GRCh38, 1-based): chr11:2,164,358, C>T on the plus strand (G>A on the coding strand, the complement: TH is on the minus strand). VCF-style: chr11-2164358-C-T. GRCh37 (hg19) VCF-style: chr11-2185588-C-T.
Other names: c.1462G>A, p.Val488Met (NM_199292.3); c.1450G>A, p.Val484Met (NM_199293.3); short protein forms V457M, V484M, V488M.
Identifiers: ClinVar variation 2082116 (VCV002082116.1), dbSNP rs760675839, ClinGen allele CA5818262.